The following is an entry in ClinVar:

ClinVar aggregate classification (germline): Uncertain significance. Review status: criteria provided, multiple submitters, no conflicts (2 of 4 stars). 3 submissions from 3 submitters: Uncertain significance (3). Last evaluated 2025-08-30.

Conditions:
Meckel-Gruber syndrome. Also called: DYSENCEPHALIA SPLANCHNOCYSTICA; GRUBER SYNDROME; Dysencephalia splachnocystica. Identifiers: Orphanet 564, MedGen C0265215, MONDO:0018921.
Joubert syndrome. Also called: CEREBELLOPARENCHYMAL DISORDER IV; JOUBERT-BOLTSHAUSER SYNDROME; Familial aplasia of the vermis. Identifiers: Orphanet 475, MedGen C5979921, MONDO:0018772.

Allele frequency attached by ClinVar (database versions not stated): gnomAD exomes 0.00002 and 0.00014; TOPMed 0.00003; ExAC 0.00012.

Submissions (3):

Ambry Genetics
Classification: Uncertain significance. Last evaluated: 2025-08-30. Review status: criteria provided, single submitter. Criteria: Ambry Variant Classification Scheme 2023. Collection method: clinical testing. Allele origin: germline.

GeneDx
Classification: Uncertain significance. Last evaluated: 2025-04-10. Review status: criteria provided, single submitter. Criteria: GeneDx Variant Classification Process June 2021. Collection method: clinical testing. Allele origin: germline. Affected: yes.
Comment: In silico analysis indicates that this missense variant does not alter protein structure/function; Has not been previously published as pathogenic or benign to our knowledge

Labcorp Genetics (formerly Invitae), Labcorp
Classification: Uncertain significance for Joubert syndrome; Meckel-Gruber syndrome. Last evaluated: 2022-07-19. Review status: criteria provided, single submitter. Criteria: Invitae Variant Classification Sherloc (09022015). Collection method: clinical testing. Allele origin: germline.
Comment: This sequence change replaces glutamine, which is neutral and polar, with histidine, which is basic and polar, at codon 50 of the B9D2 protein (p.Gln50His). This variant is present in population databases (rs747988749, gnomAD 0.1%). This variant has not been reported in the literature in individuals affected with B9D2-related conditions. ClinVar contains an entry for this variant (Variation ID: 461768). Algorithms developed to predict the effect of missense changes on protein structure and function are either unavailable or do not agree on the potential impact of this missense change (SIFT: "Deleterious"; PolyPhen-2: "Benign"; Align-GVGD: "Class C0"). In summary, the available evidence is currently insufficient to determine the role of this variant in disease. Therefore, it has been classified as a Variant of Uncertain Significance.

NM_030578.4(B9D2):c.150G>C (p.Gln50His)

Gene: B9D2 (B9 domain containing 2; minus strand). Cytogenetic location: 19q13.2.
Variant type: single nucleotide variant.
Coding change: c.150G>C on transcript NM_030578.4 (MANE Select); coding-DNA position 150, G replaced by C.
Protein change: p.Gln50His; replaces glutamine 50 with histidine.
Molecular consequence: missense variant.
Genome position (GRCh38, 1-based): chr19:41,357,961, C>G on the plus strand (G>C on the coding strand, the complement: B9D2 is on the minus strand). VCF-style: chr19-41357961-C-G. GRCh37 (hg19) VCF-style: chr19-41863866-C-G.
Other names: short protein forms Q50H.
Identifiers: ClinVar variation 461768 (VCV000461768.10), dbSNP rs747988749, ClinGen allele CA9460339.